The following is an entry in ClinVar:

NM_001042492.3(NF1):c.6636del (p.Met2213fs)

Gene: NF1 (neurofibromin 1; plus strand). Cytogenetic location: 17q11.2.
Variant type: Deletion.
Coding change: c.6636del on transcript NM_001042492.3 (MANE Select); coding-DNA position 6636, one base deleted (C; older notation c.6636delC).
Protein change: p.Met2213fs; shifts the reading frame from methionine 2213.
Molecular consequence: frameshift variant.
Genome position (GRCh38, 1-based): chr17:31,337,576, C deleted. VCF-style (leftmost placement, unchanged base first): chr17-31337575-TC-T. GRCh37 (hg19) VCF-style: chr17-29664593-TC-T.
Other names: c.6573delC, p.Met2192Trpfs (NM_000267.4); short protein forms M2192fs, M2213fs.
Identifiers: ClinVar variation 2835755 (VCV002835755.3), dbSNP rs2508754707, ClinGen allele CA2739267427.

ClinVar aggregate classification (germline): Pathogenic (1 of 4 stars; one submission).

Conditions:
Neurofibromatosis, type 1 (NF1). Also called: VON RECKLINGHAUSEN DISEASE; NEUROFIBROMATOSIS, TYPE I, SOMATIC; Neurofibromatosis, type I; Peripheral type neurofibromatosis. Identifiers: Orphanet 636, MedGen C0027831, MONDO:0018975, OMIM 162200. Disease mechanism: loss of function.

Submission:

Labcorp Genetics (formerly Invitae), Labcorp
Classification: Pathogenic for Neurofibromatosis, type 1. Last evaluated: 2023-02-09. Review status: criteria provided, single submitter. Criteria: Invitae Variant Classification Sherloc (09022015). Collection method: clinical testing. Allele origin: germline.
Comment: For these reasons, this variant has been classified as Pathogenic. This variant has not been reported in the literature in individuals affected with NF1-related conditions. This variant is not present in population databases (gnomAD no frequency). This sequence change creates a premature translational stop signal (p.Met2192Trpfs*5) in the NF1 gene. It is expected to result in an absent or disrupted protein product. Loss-of-function variants in NF1 are known to be pathogenic (PMID: 10712197, 23913538).

Literature cited by the submitters: PubMed 10712197; PubMed 23913538.